The following is an entry in ClinVar:

NM_181882.3(PRX):c.499C>T (p.Arg167Cys)

Gene: PRX (periaxin; minus strand). Cytogenetic location: 19q13.2.
Variant type: single nucleotide variant.
Coding change: c.499C>T on transcript NM_181882.3 (MANE Select); coding-DNA position 499, C replaced by T.
Protein change: p.Arg167Cys; replaces arginine 167 with cysteine.
Molecular consequence: missense variant. On other transcripts: 3 prime UTR variant (1).
Genome position (GRCh38, 1-based): chr19:40,397,853, G>A on the plus strand (C>T on the coding strand, the complement: PRX is on the minus strand). VCF-style: chr19-40397853-G-A. GRCh37 (hg19) VCF-style: chr19-40903760-G-A.
Other names: c.*704C>T (NM_020956.2); short protein forms R167C.
Identifiers: ClinVar variation 448141 (VCV000448141.16), dbSNP rs10425452, ClinGen allele CA9444442.

ClinVar aggregate classification (germline): Conflicting classifications of pathogenicity. Review status: criteria provided, conflicting classifications (1 of 4 stars). 4 submissions from 4 submitters: Uncertain significance (2); Likely benign (2). Last evaluated 2025-11-17.

Conditions:
PRX-related disorder. Also called: PRX-related condition; PRX-Related Disorders.
Inborn genetic diseases. Identifiers: MedGen C0950123, MeSH D030342.
Charcot-Marie-Tooth disease type 4. Also called: Charcot-Marie-Tooth disease, type IV; Charcot-Marie-Tooth, Type 4. Identifiers: Orphanet 64749, MedGen C4082197, MONDO:0018995.

Allele frequency attached by ClinVar (database versions not stated): gnomAD exomes 0.00009 and 0.00016; ExAC 0.00029; ESP Exome Variant Server 0.00039; TOPMed 0.00052; gnomAD 0.00056 and 0.00062.
gnomAD v4.1: 232 of 1,604,078 alleles (0.014%); highest among the groups gnomAD compares: African/African-American, 0.15%; 1 homozygote.

Submissions (4):

Labcorp Genetics (formerly Invitae), Labcorp
Classification: Likely benign for Charcot-Marie-Tooth disease type 4. Last evaluated: 2025-11-17. Review status: criteria provided, single submitter. Criteria: Invitae Variant Classification Sherloc (09022015). Collection method: clinical testing. Allele origin: germline.

PreventionGenetics, part of Exact Sciences
Classification: Likely benign for PRX-related condition. Last evaluated: 2025-07-08. Review status: criteria provided, single submitter. Criteria: ACMG Guidelines, 2015. Collection method: clinical testing. Allele origin: germline.
Comment: This variant is classified as likely benign based on ACMG/AMP sequence variant interpretation guidelines (Richards et al. 2015 PMID: 25741868, with internal and published modifications).

Ambry Genetics
Classification: Uncertain significance for Inborn genetic diseases. Last evaluated: 2024-08-26. Review status: criteria provided, single submitter. Criteria: Ambry Variant Classification Scheme 2023. Collection method: clinical testing. Allele origin: germline.

Athena Diagnostics
Classification: Uncertain significance. Last evaluated: 2018-02-09. Review status: criteria provided, single submitter. Criteria: Athena Diagnostics Criteria. Collection method: clinical testing. Allele origin: germline.